The following is an entry in ClinVar:

NM_002133.3(HMOX1):c.262_268delinsCC (p.Ala88fs)

Gene: HMOX1 (heme oxygenase 1; plus strand). Cytogenetic location: 22q12.3.
Variant type: Indel.
Coding change: c.262_268delinsCC on transcript NM_002133.3 (MANE Select); coding-DNA positions 262 to 268, GCCCTGG replaced by CC.
Protein change: p.Ala88fs; shifts the reading frame from alanine 88.
Molecular consequence: frameshift variant.
Genome position (GRCh38, 1-based): chr22:35,386,802-35,386,808, GCCCTGG replaced by CC. VCF-style: chr22-35386802-GCCCTGG-CC. GRCh37 (hg19) VCF-style: chr22-35782795-GCCCTGG-CC.
Other names: short protein forms A88fs.
Identifiers: ClinVar variation 1326853 (VCV001326853.35), dbSNP rs2145766893, ClinGen allele CA2573055001.
Genomic context (GRCh38, chr22:35,386,802, plus strand): 5'-AACAAGGAGAGCCCAGTCTTCGCCCCTGTCTACTTCCCAGAAGAGCTGCACCGCAAGGCT[GCCCTGG>CC]AGCAGGACCTGGCCTTCTGGTACGGGCCCCGCTGGCAGGAGGTCATCCCCTACACACCAG-3'

ClinVar aggregate classification (germline): Pathogenic/Likely pathogenic. Review status: criteria provided, multiple submitters, no conflicts (2 of 4 stars). 3 submissions from 3 submitters: Pathogenic (1); Likely pathogenic (1). 1 of the submissions does not count toward it. Last evaluated 2026-01-26.

Conditions:
Heme oxygenase 1 deficiency (HMOX1D). Identifiers: Orphanet 562509, MedGen C1841651, MONDO:0013536, OMIM 614034.

Submissions (3):

Labcorp Genetics (formerly Invitae), Labcorp
Classification: Pathogenic. Last evaluated: 2026-01-26. Review status: criteria provided, single submitter. Criteria: Invitae Variant Classification Sherloc (09022015). Collection method: clinical testing. Allele origin: germline.
Comment: This sequence change creates a premature translational stop signal (p.Ala88Profs*51) in the HMOX1 gene. It is expected to result in an absent or disrupted protein product. Loss-of-function variants in HMOX1 are known to be pathogenic (PMID: 9884342, 21088618). Information on the frequency of this variant in the gnomAD database is not available, as this variant may be reported differently in the database. This premature translational stop signal has been observed in individual(s) with HMOX1-related conditions (PMID: 33066778). For these reasons, this variant has been classified as Pathogenic.

CeGaT Center for Human Genetics Tuebingen
Classification: Likely pathogenic. Last evaluated: 2019-05-01. Review status: criteria provided, single submitter. Criteria: CeGaT Center For Human Genetics Tuebingen Variant Classification Criteria Version 2. Collection method: clinical testing. Allele origin: germline. Affected: yes. Observed: 2 variant alleles.

OMIM
Classification: Pathogenic for HEME OXYGENASE 1 DEFICIENCY. Last evaluated: 2022-03-15. Review status: no assertion criteria provided. Collection method: literature only. Allele origin: germline. Not counted in ClinVar's aggregate classification.

Literature cited by the submitters: PubMed 9884342 (cited by Labcorp Genetics (formerly Invitae), Labcorp); PubMed 21088618 (cited by Labcorp Genetics (formerly Invitae), Labcorp); PubMed 33066778 (cited by Labcorp Genetics (formerly Invitae), Labcorp and OMIM).